The following is an entry in ClinVar:

ClinVar aggregate classification (germline): Pathogenic/Likely pathogenic. Review status: criteria provided, multiple submitters, no conflicts (2 of 4 stars). 3 submissions from 3 submitters: Pathogenic (1); Likely pathogenic (2). Last evaluated 2024-03-27.

Conditions:
Short-rib thoracic dysplasia 7 with or without polydactyly (SRTD7). Also called: Short rib polydactyly syndrome 5; SHORT-RIB THORACIC DYSPLASIA 7 WITH POLYDACTYLY. Identifiers: Orphanet 498497, Orphanet 93271, MedGen C3279792, MONDO:0013569, OMIM 614091.
Cranioectodermal dysplasia 2 (CED2). Identifiers: Orphanet 1515, MedGen C3150874, MONDO:0013323, OMIM 613610.

Allele frequency attached by ClinVar (database versions not stated): ExAC 0.00001; gnomAD exomes 0.00001; gnomAD 0.00002 and 0.00004; TOPMed 0.00005; ESP Exome Variant Server 0.00008.
gnomAD v4.1: 7 of 1,601,448 alleles (0.00044%); highest among the groups gnomAD compares: African/African-American, 0.0067%; no homozygotes.

Submissions (3):

Fulgent Genetics
Classification: Likely pathogenic for Cranioectodermal dysplasia 2; Short-rib thoracic dysplasia 7 with or without polydactyly. Last evaluated: 2024-03-27. Review status: criteria provided, single submitter. Criteria: ACMG Guidelines, 2015. Collection method: clinical testing. Allele origin: germline.

Labcorp Genetics (formerly Invitae), Labcorp
Classification: Likely pathogenic for Cranioectodermal dysplasia 2; Short-rib thoracic dysplasia 7 with or without polydactyly. Last evaluated: 2023-08-10. Review status: criteria provided, single submitter. Criteria: Invitae Variant Classification Sherloc (09022015). Collection method: clinical testing. Allele origin: germline.
Comment: In summary, the currently available evidence indicates that the variant is pathogenic, but additional data are needed to prove that conclusively. Therefore, this variant has been classified as Likely Pathogenic. Algorithms developed to predict the effect of sequence changes on RNA splicing suggest that this variant may disrupt the consensus splice site. ClinVar contains an entry for this variant (Variation ID: 286673). This variant has not been reported in the literature in individuals affected with WDR35-related conditions. This variant is present in population databases (rs371669862, gnomAD 0.01%). This sequence change affects a donor splice site in intron 12 of the WDR35 gene. It is expected to disrupt RNA splicing. Variants that disrupt the donor or acceptor splice site typically lead to a loss of protein function (PMID: 16199547), and loss-of-function variants in WDR35 are known to be pathogenic (PMID: 22486404, 29068549).

Eurofins Ntd Llc (ga)
Classification: Pathogenic. Last evaluated: 2016-03-22. Review status: criteria provided, single submitter. Criteria: EGL Classification Definitions 2015. Collection method: clinical testing. Allele origin: germline. Observed: 1 variant allele, 1 heterozygote.

Literature cited by the submitters: PubMed 16199547 (cited by Labcorp Genetics (formerly Invitae), Labcorp); PubMed 22486404 (cited by Labcorp Genetics (formerly Invitae), Labcorp); PubMed 29068549 (cited by Labcorp Genetics (formerly Invitae), Labcorp).

NM_020779.4(WDR35):c.1255+1G>A

Gene: WDR35 (WD repeat domain 35; minus strand). Cytogenetic location: 2p24.1.
Variant type: single nucleotide variant.
Coding change: c.1255+1G>A on transcript NM_020779.4 (MANE Select); the canonical splice donor site of the intron after coding-DNA position 1255, G replaced by A.
Molecular consequence: splice donor variant.
Genome position (GRCh38, 1-based): chr2:19,960,553, C>T on the plus strand (G>A on the coding strand, the complement: WDR35 is on the minus strand). VCF-style: chr2-19960553-C-T. GRCh37 (hg19) VCF-style: chr2-20160314-C-T.
Other names: c.1288+1G>A (NM_001006657.2).
Identifiers: ClinVar variation 286673 (VCV000286673.12), dbSNP rs371669862, ClinGen allele CA1543286.